The following is an entry in ClinVar:

ClinVar aggregate classification (germline): Uncertain significance (1 of 4 stars; one submission).

Allele frequency attached by ClinVar (database versions not stated): ExAC 0.00002; TOPMed 0.00002; gnomAD exomes 0.00003.
gnomAD v4.1: 10 of 1,614,120 alleles (0.00062%); highest among the groups gnomAD compares: Admixed American, 0.0083%; no homozygotes.

Submission:

Labcorp Genetics (formerly Invitae), Labcorp
Classification: Uncertain significance. Last evaluated: 2021-12-03. Review status: criteria provided, single submitter. Criteria: Invitae Variant Classification Sherloc (09022015). Collection method: clinical testing. Allele origin: germline.
Comment: This sequence change replaces glutamic acid, which is acidic and polar, with lysine, which is basic and polar, at codon 1192 of the LAMB1 protein (p.Glu1192Lys). This variant is present in population databases (rs770141908, gnomAD 0.02%). This variant has not been reported in the literature in individuals affected with LAMB1-related conditions. Algorithms developed to predict the effect of missense changes on protein structure and function (SIFT, PolyPhen-2, Align-GVGD) all suggest that this variant is likely to be disruptive. In summary, the available evidence is currently insufficient to determine the role of this variant in disease. Therefore, it has been classified as a Variant of Uncertain Significance.

NM_002291.3(LAMB1):c.3574G>A (p.Glu1192Lys)

Gene: LAMB1 (laminin subunit beta 1; minus strand). Cytogenetic location: 7q31.1.
Variant type: single nucleotide variant.
Coding change: c.3574G>A on transcript NM_002291.3 (MANE Select); coding-DNA position 3574, G replaced by A.
Protein change: p.Glu1192Lys; replaces glutamic acid 1192 with lysine.
Molecular consequence: missense variant.
Genome position (GRCh38, 1-based): chr7:107,940,176, C>T on the plus strand (G>A on the coding strand, the complement: LAMB1 is on the minus strand). VCF-style: chr7-107940176-C-T. GRCh37 (hg19) VCF-style: chr7-107580621-C-T.
Other names: short protein forms E1192K.
Identifiers: ClinVar variation 1438118 (VCV001438118.8), dbSNP rs770141908, ClinGen allele CA4435275.
Genomic context (GRCh38, chr7:107,940,176, plus strand): 5'-CACCACTGATCTTCAAGGCCTTGGCTTTCTCCAGGAATCTGTGTGTCCTGTTGGTCAGCT[C>T]GGCAATGATCACATCCCAGAGAGCAAAGCACTGGTGGCAGGGTGTGCAGTCAGGGAAGAC-3'
Protein context (NP_002282.2, residues 1182-1202): CFALWDVIIA[Glu1192Lys]LTNRTHRFLE